The following is an entry in ClinVar:

NM_006420.3(ARFGEF2):c.1030A>G (p.Arg344Gly)

Gene: ARFGEF2 (ARF guanine nucleotide exchange factor 2; plus strand). Cytogenetic location: 20q13.13.
Variant type: single nucleotide variant.
Coding change: c.1030A>G on transcript NM_006420.3 (MANE Select); coding-DNA position 1030, A replaced by G.
Protein change: p.Arg344Gly; replaces arginine 344 with glycine.
Molecular consequence: missense variant.
Genome position (GRCh38, 1-based): chr20:48,965,994, A>G. VCF-style: chr20-48965994-A-G. GRCh37 (hg19) VCF-style: chr20-47582531-A-G.
Other names: c.1027A>G, p.Arg343Gly (NM_001410846.1); short protein forms R344G, R343G.
Identifiers: ClinVar variation 2152710 (VCV002152710.4), dbSNP rs199671906, ClinGen allele CA409324847.

ClinVar aggregate classification (germline): Uncertain significance (1 of 4 stars; one submission).

Submission:

Labcorp Genetics (formerly Invitae), Labcorp
Classification: Uncertain significance. Last evaluated: 2022-04-04. Review status: criteria provided, single submitter. Criteria: Invitae Variant Classification Sherloc (09022015). Collection method: clinical testing. Allele origin: germline.
Comment: In summary, the available evidence is currently insufficient to determine the role of this variant in disease. Therefore, it has been classified as a Variant of Uncertain Significance. Algorithms developed to predict the effect of missense changes on protein structure and function output the following: SIFT: "Tolerated"; PolyPhen-2: "Benign"; Align-GVGD: "Class C0". The glycine amino acid residue is found in multiple mammalian species, which suggests that this missense change does not adversely affect protein function. This variant has not been reported in the literature in individuals affected with ARFGEF2-related conditions. This variant is not present in population databases (gnomAD no frequency). This sequence change replaces arginine, which is basic and polar, with glycine, which is neutral and non-polar, at codon 344 of the ARFGEF2 protein (p.Arg344Gly).